The following is an entry in ClinVar:

NM_003366.4(UQCRC2):c.1243C>T (p.Gln415Ter)

Genes: PDZD9 (PDZ domain containing 9), UQCRC2 (ubiquinol-cytochrome c reductase core protein 2). Cytogenetic location: 16p12.2.
Variant type: single nucleotide variant.
Coding change: c.1243C>T on transcript NM_003366.4 (MANE Select); coding-DNA position 1243, C replaced by T.
Protein change: p.Gln415Ter; replaces glutamine 415 with a stop codon.
Molecular consequence: nonsense.
Genome position (GRCh38, 1-based): chr16:21,980,665, C>T. VCF-style: chr16-21980665-C-T. GRCh37 (hg19) VCF-style: chr16-21991986-C-T.
Other names: short protein forms Q415*.
Identifiers: ClinVar variation 2999321 (VCV002999321.3), dbSNP rs772913230, ClinGen allele CA7953990.

ClinVar aggregate classification (germline): Uncertain significance (1 of 4 stars; one submission).

Allele frequency attached by ClinVar (database versions not stated): gnomAD exomes below 0.00001; ExAC 0.00001; gnomAD 0.00001; TOPMed 0.00001.
gnomAD v4.1: 3 of 1,614,004 alleles (0.00019%); highest among the groups gnomAD compares: Non-Finnish European, 0.00017%; no homozygotes.

Submission:

Labcorp Genetics (formerly Invitae), Labcorp
Classification: Uncertain significance. Last evaluated: 2023-05-11. Review status: criteria provided, single submitter. Criteria: Invitae Variant Classification Sherloc (09022015). Collection method: clinical testing. Allele origin: germline.
Comment: In summary, the available evidence is currently insufficient to determine the role of this variant in disease. Therefore, it has been classified as a Variant of Uncertain Significance. This variant has not been reported in the literature in individuals affected with UQCRC2-related conditions. This variant is present in population databases (rs772913230, gnomAD 0.003%). This sequence change creates a premature translational stop signal (p.Gln415*) in the UQCRC2 gene. While this is not anticipated to result in nonsense mediated decay, it is expected to disrupt the last 39 amino acid(s) of the UQCRC2 protein.